The following is an entry in ClinVar:

NM_000135.4(FANCA):c.2014+1G>C

Gene: FANCA (FA complementation group A; minus strand). Cytogenetic location: 16q24.3.
Variant type: single nucleotide variant.
Coding change: c.2014+1G>C on transcript NM_000135.4 (MANE Select); the canonical splice donor site of the intron after coding-DNA position 2014, G replaced by C.
Molecular consequence: splice donor variant.
Genome position (GRCh38, 1-based): chr16:89,773,270, C>G on the plus strand (G>C on the coding strand, the complement: FANCA is on the minus strand). VCF-style: chr16-89773270-C-G. GRCh37 (hg19) VCF-style: chr16-89839678-C-G.
Other names: c.2014+1G>C (NM_001286167.3).
Identifiers: ClinVar variation 692160 (VCV000692160.14), dbSNP rs1598116164, ClinGen allele CA397449451.
Genomic context (GRCh38, chr16:89,773,270, plus strand): 5'-ACAGAGCTCCAACCACAGGCTGCACACATGAGACACAGCATGAGCTCCCATCCATCCTCA[C>G]CATCACGCTGGCTGGGGTCTGTCATGGAGGCTCTCAGCTCTCCCAGTGCAGCTGTGAGCT-3'

ClinVar aggregate classification (germline): Pathogenic/Likely pathogenic. Review status: criteria provided, multiple submitters, no conflicts (2 of 4 stars). 5 submissions from 5 submitters: Pathogenic (1); Likely pathogenic (3). 1 of the submissions does not count toward it. Last evaluated 2024-03-09.

Conditions:
Fanconi anemia complementation group A (FANCA). Also called: Fanconi anemia, group A; FANCA-Related Fanconi Anemia. Identifiers: Orphanet 84, MedGen C3469521, MONDO:0009215, OMIM 227650.
Fanconi anemia (FA). Also called: Fanconi's anemia. Identifiers: Orphanet 84, MedGen C0015625, MeSH D005199, MONDO:0019391.

Allele frequency attached by ClinVar (database versions not stated): gnomAD exomes below 0.00001.
gnomAD v4.1: 4 of 1,548,788 alleles (0.00026%); highest among the groups gnomAD compares: Non-Finnish European, 0.00035%; no homozygotes.

Submissions (5):

Baylor Genetics
Classification: Pathogenic for Fanconi anemia complementation group A. Last evaluated: 2024-03-09. Review status: criteria provided, single submitter. Criteria: ACMG Guidelines, 2015. Collection method: clinical testing. Allele origin: unknown.

Labcorp Genetics (formerly Invitae), Labcorp
Classification: Likely pathogenic for Fanconi anemia. Last evaluated: 2023-07-19. Review status: criteria provided, single submitter. Criteria: Invitae Variant Classification Sherloc (09022015). Collection method: clinical testing. Allele origin: germline.
Comment: Disruption of this splice site has been observed in individual(s) with Fanconi anemia (PMID: 19367192). In summary, the currently available evidence indicates that the variant is pathogenic, but additional data are needed to prove that conclusively. Therefore, this variant has been classified as Likely Pathogenic. Algorithms developed to predict the effect of sequence changes on RNA splicing suggest that this variant may disrupt the consensus splice site. ClinVar contains an entry for this variant (Variation ID: 692160). This variant is not present in population databases (gnomAD no frequency). This sequence change affects a donor splice site in intron 22 of the FANCA gene. It is expected to disrupt RNA splicing. Variants that disrupt the donor or acceptor splice site typically lead to a loss of protein function (PMID: 16199547), and loss-of-function variants in FANCA are known to be pathogenic (PMID: 19367192).

GeneDx
Classification: Likely pathogenic. Last evaluated: 2022-08-29. Review status: criteria provided, single submitter. Criteria: GeneDx Variant Classification Process June 2021. Collection method: clinical testing. Allele origin: germline. Affected: yes.
Comment: Canonical splice site variant expected to result in aberrant splicing, although in the absence of functional evidence the actual effect of this sequence change is unknown.; Not observed at significant frequency in large population cohorts (gnomAD); This variant is associated with the following publications: (PMID: 25525159, 19367192)

Molecular Diagnostics Laboratory, M Health Fairview: University of Minnesota
Classification: Likely pathogenic for Fanconi anemia complementation group A. Last evaluated: 2019-07-16. Review status: criteria provided, single submitter. Criteria: ACMG Guidelines, 2015. Collection method: clinical testing. Allele origin: germline. Affected: yes. Observed: 1 variant allele.

Leiden Open Variation Database
Classification: Pathogenic for Fanconi anemia complementation group A. Last evaluated: 2020-02-28. Review status: no assertion criteria provided. Collection method: curation. Allele origin: germline. Affected: yes. Not counted in ClinVar's aggregate classification.
Comment: Curator: Arleen D. Auerbach. Submitter to LOVD: Sue Richards.

Literature cited by the submitters: PubMed 19367192 (cited by Labcorp Genetics (formerly Invitae), Labcorp and Leiden Open Variation Database); PubMed 16199547 (cited by Labcorp Genetics (formerly Invitae), Labcorp).